The following is an entry in ClinVar:

NM_032898.5(CEP19):c.91C>A (p.Gln31Lys)

Gene: CEP19 (centrosomal protein 19; minus strand). Cytogenetic location: 3q29.
Variant type: single nucleotide variant.
Coding change: c.91C>A on transcript NM_032898.5 (MANE Select); coding-DNA position 91, C replaced by A.
Protein change: p.Gln31Lys; replaces glutamine 31 with lysine.
Molecular consequence: missense variant. On other transcripts: intron variant (1).
Genome position (GRCh38, 1-based): chr3:196,708,567, G>T on the plus strand (C>A on the coding strand, the complement: CEP19 is on the minus strand). VCF-style: chr3-196708567-G-T. GRCh37 (hg19) VCF-style: chr3-196435438-G-T.
Other names: c.91C>A, p.Gln31Lys (NM_001379469.1, NM_001379470.1); c.26-655C>A (NM_001379468.1); short protein forms Q31K.
Identifiers: ClinVar variation 1370913 (VCV001370913.6), dbSNP rs1463328516, ClinGen allele CA355634787.

ClinVar aggregate classification (germline): Uncertain significance (1 of 4 stars; one submission).

Submission:

Labcorp Genetics (formerly Invitae), Labcorp
Classification: Uncertain significance. Last evaluated: 2024-05-22. Review status: criteria provided, single submitter. Criteria: Invitae Variant Classification Sherloc (09022015). Collection method: clinical testing. Allele origin: germline.
Comment: This sequence change replaces glutamine, which is neutral and polar, with lysine, which is basic and polar, at codon 35 of the CEP19 protein (p.Gln35Lys). This variant is not present in population databases (gnomAD no frequency). This variant has not been reported in the literature in individuals affected with CEP19-related conditions. ClinVar contains an entry for this variant (Variation ID: 1370913). An algorithm developed to predict the effect of missense changes on protein structure and function (PolyPhen-2) suggests that this variant is likely to be tolerated. In summary, the available evidence is currently insufficient to determine the role of this variant in disease. Therefore, it has been classified as a Variant of Uncertain Significance.